The following is an entry in ClinVar:

ClinVar aggregate classification (germline): Uncertain significance. Review status: criteria provided, multiple submitters, no conflicts (2 of 4 stars). 3 submissions from 3 submitters: Uncertain significance (3). Last evaluated 2026-03-19.

Conditions:
Inborn genetic diseases. Identifiers: MedGen C0950123, MeSH D030342.

gnomAD v4.1: 21 of 1,613,724 alleles (0.0013%); highest among the groups gnomAD compares: Middle Eastern, 0.016%; no homozygotes.

Submissions (3):

Ambry Genetics
Classification: Uncertain significance for Inborn genetic diseases. Last evaluated: 2026-03-19. Review status: criteria provided, single submitter. Criteria: Ambry Variant Classification Scheme 2023. Collection method: clinical testing. Allele origin: germline.

Blueprint Genetics
Classification: Uncertain significance. Last evaluated: 2024-07-04. Review status: criteria provided, single submitter. Criteria: ACMG Guidelines, 2015. Collection method: clinical testing. Allele origin: germline.

Labcorp Genetics (formerly Invitae), Labcorp
Classification: Uncertain significance. Last evaluated: 2020-06-30. Review status: criteria provided, single submitter. Criteria: Invitae Variant Classification Sherloc (09022015). Collection method: clinical testing. Allele origin: germline.
Comment: This variant is present in population databases (rs782670311, ExAC 0.003%). This sequence change replaces leucine with phenylalanine at codon 992 of the RBP3 protein (p.Leu992Phe). The leucine residue is highly conserved and there is a small physicochemical difference between leucine and phenylalanine. This variant has not been reported in the literature in individuals with RBP3-related conditions. In summary, the available evidence is currently insufficient to determine the role of this variant in disease. Therefore, it has been classified as a Variant of Uncertain Significance. Algorithms developed to predict the effect of missense changes on protein structure and function are either unavailable or do not agree on the potential impact of this missense change (SIFT: "Deleterious"; PolyPhen-2: "Possibly Damaging"; Align-GVGD: "Class C15").

NM_002900.3(RBP3):c.2974C>T (p.Leu992Phe)

Gene: RBP3 (retinol binding protein 3; plus strand). Cytogenetic location: 10q11.22.
Variant type: single nucleotide variant.
Coding change: c.2974C>T on transcript NM_002900.3 (MANE Select); coding-DNA position 2974, C replaced by T.
Protein change: p.Leu992Phe; replaces leucine 992 with phenylalanine.
Molecular consequence: missense variant.
Genome position (GRCh38, 1-based): chr10:47,351,458, C>T. VCF-style: chr10-47351458-C-T. GRCh37 (hg19) VCF-style: chr10-48387904-G-A.
Other names: c.2974C>T (NM_002900.2); short protein forms L992F.
Identifiers: ClinVar variation 1000488 (VCV001000488.12), dbSNP rs782670311, ClinGen allele CA5487165.
Genomic context (GRCh38, chr10:47,351,458, plus strand): 5'-TACTCCAGGGTGACCTCAGAAGTGGCCCTAGCCGAGATCCTGGGGGCTGACCTGCAGATG[C>T]TCTCCGGAGACCCACACCTGAAGGCAGCCCATATCCCTGAGAATGCCAAGGACCGCATTC-3'
Protein context (NP_002891.1, residues 982-1002): AEILGADLQM[Leu992Phe]SGDPHLKAAH